The following is an entry in ClinVar:

ClinVar aggregate classification (germline): Uncertain significance (1 of 4 stars; one submission).

Submission:

GeneDx
Classification: Uncertain significance. Last evaluated: 2022-09-06. Review status: criteria provided, single submitter. Criteria: GeneDx Variant Classification Process June 2021. Collection method: clinical testing. Allele origin: germline. Affected: yes.
Comment: Not observed at significant frequency in large population cohorts (gnomAD); In silico analysis supports that this missense variant has a deleterious effect on protein structure/function; Has not been previously published as pathogenic or benign to our knowledge

NM_006662.3(SRCAP):c.6881A>G (p.Glu2294Gly)

Gene: SRCAP (Snf2 related CREBBP activator protein; plus strand). Cytogenetic location: 16p11.2.
Variant type: single nucleotide variant.
Coding change: c.6881A>G on transcript NM_006662.3 (MANE Select); coding-DNA position 6881, A replaced by G.
Protein change: p.Glu2294Gly; replaces glutamic acid 2294 with glycine.
Molecular consequence: missense variant.
Genome position (GRCh38, 1-based): chr16:30,736,351, A>G. VCF-style: chr16-30736351-A-G. GRCh37 (hg19) VCF-style: chr16-30747672-A-G.
Other names: short protein forms E2294G.
Identifiers: ClinVar variation 1687633 (VCV001687633.3), dbSNP rs2151299620, ClinGen allele CA395628760.